The following is an entry in ClinVar:

ClinVar aggregate classification (germline): Conflicting classifications of pathogenicity. Review status: criteria provided, conflicting classifications (1 of 4 stars). 8 submissions from 8 submitters: Uncertain significance (2); Likely benign (6). Last evaluated 2026-05-05.

Conditions:
Ritscher-Schinzel syndrome. Also called: CRANIOCEREBELLOCARDIAC DYSPLASIA. Identifiers: Orphanet 7, MedGen C0796137, MONDO:0019078.
Hereditary spastic paraplegia 8 (SPG8). Also called: SPASTIC PARAPLEGIA 8, AUTOSOMAL DOMINANT. Identifiers: Orphanet 100989, MedGen C1863704, MONDO:0011339, OMIM 603563.
Hereditary spastic paraplegia. Also called: Familial spastic paraparesis. Identifiers: Orphanet 685, MedGen C0037773, MONDO:0019064. Disease mechanism: loss of function.

Allele frequency attached by ClinVar (database versions not stated): gnomAD exomes 0.00008 and 0.00018; TOPMed 0.00010; gnomAD 0.00011; ExAC 0.00018; ESP Exome Variant Server 0.00031.
gnomAD v4.1: 138 of 1,613,918 alleles (0.0086%); highest among the groups gnomAD compares: Non-Finnish European, 0.0011%; 1 homozygote.

Submissions (8):

Women's Health and Genetics/Laboratory Corporation of America, LabCorp
Classification: Likely benign. Last evaluated: 2026-05-05. Review status: criteria provided, single submitter. Criteria: LabCorp Variant Classification Summary - May 2015. Collection method: clinical testing. Allele origin: germline.
Comment: Variant summary: WASHC5 c.639G>C (p.Gln213His) results in a non-conservative amino acid change in the encoded protein sequence. Algorithms developed to predict the effect of missense changes on protein structure and function are either unavailable or do not agree on the potential impact of this missense change. The variant allele was found at a frequency of 0.00018 in 251386 control chromosomes, predominantly at a frequency of 0.0042 within the Ashkenazi Jewish subpopulation in the gnomAD database. The observed variant frequency within Ashkenazi Jewish control individuals in the gnomAD database exceeds the estimated maximal expected allele frequency for disease-causing variants in WASHC5. To our knowledge, no occurrence of c.639G>C in individuals affected with WASHC5-related conditions and no experimental evidence demonstrating its impact on protein function have been reported. ClinVar contains an entry for this variant (Variation ID: 218710). Based on the evidence outlined above, the variant was classified as likely benign.

Mayo Clinic Laboratories, Mayo Clinic
Classification: Likely benign. Last evaluated: 2025-10-03. Review status: criteria provided, single submitter. Criteria: ACMG Guidelines, 2015. Collection method: clinical testing. Allele origin: germline. Observed: 2 variant alleles.
Comment: BS1, BP4

CeGaT Center for Human Genetics Tuebingen
Classification: Likely benign. Last evaluated: 2025-08-01. Review status: criteria provided, single submitter. Criteria: CeGaT Center For Human Genetics Tuebingen Variant Classification Criteria Version 2. Collection method: clinical testing. Allele origin: germline. Affected: yes. Observed: 1 variant allele.
Comment: WASHC5: BP4

Labcorp Genetics (formerly Invitae), Labcorp
Classification: Likely benign for Ritscher-Schinzel syndrome; Hereditary spastic paraplegia 8. Last evaluated: 2023-05-03. Review status: criteria provided, single submitter. Criteria: Invitae Variant Classification Sherloc (09022015). Collection method: clinical testing. Allele origin: germline.

GeneDx
Classification: Likely benign. Last evaluated: 2022-10-11. Review status: criteria provided, single submitter. Criteria: GeneDx Variant Classification Process June 2021. Collection method: clinical testing. Allele origin: germline. Affected: yes.
Comment: See Variant Classification Assertion Criteria.

Genome Diagnostics Laboratory, The Hospital for Sick Children
Classification: Uncertain significance for Hereditary spastic paraplegia. Last evaluated: 2021-08-30. Review status: criteria provided, single submitter. Criteria: ACMG Guidelines, 2015. Collection method: clinical testing. Allele origin: germline. Affected: yes.

Illumina Laboratory Services, Illumina
Classification: Likely benign for Hereditary spastic paraplegia 8. Last evaluated: 2018-01-12. Review status: criteria provided, single submitter. Criteria: ICSL Variant Classification Criteria 13 December 2019. Collection method: clinical testing. Allele origin: germline.
Comment: This variant was observed in the ICSL laboratory as part of a predisposition screen in an ostensibly healthy population. It had not been previously curated by ICSL or reported in the Human Gene Mutation Database (HGMD: prior to June 1st, 2018), and was therefore a candidate for classification through an automated scoring system. Utilizing variant allele frequency, disease prevalence and penetrance estimates, and inheritance mode, an automated score was calculated to assess if this variant is too frequent to cause the disease. Based on the score and internal cut-off values, a variant classified as likely benign is not then subjected to further curation. The score for this variant resulted in a classification of likely benign for this disease.

Genomic Diagnostic Laboratory, Division of Genomic Diagnostics, Children's Hospital of Philadelphia
Classification: Uncertain significance. Last evaluated: 2015-06-11. Review status: criteria provided, single submitter. Criteria: DGD Variant Analysis Guidelines. Collection method: clinical testing. Allele origin: unknown.

NM_014846.4(WASHC5):c.639G>C (p.Gln213His)

Gene: WASHC5 (WASH complex subunit 5; minus strand). Cytogenetic location: 8q24.13.
Variant type: single nucleotide variant.
Coding change: c.639G>C on transcript NM_014846.4 (MANE Select); coding-DNA position 639, G replaced by C.
Protein change: p.Gln213His; replaces glutamine 213 with histidine.
Molecular consequence: missense variant.
Genome position (GRCh38, 1-based): chr8:125,078,810, C>G on the plus strand (G>C on the coding strand, the complement: WASHC5 is on the minus strand). VCF-style: chr8-125078810-C-G. GRCh37 (hg19) VCF-style: chr8-126091052-C-G.
Other names: p.Gln213His; c.195G>C, p.Gln65His (NM_001330609.2); short protein forms Q213H, Q65H.
Identifiers: ClinVar variation 218710 (VCV000218710.28), dbSNP rs141234822, ClinGen allele CA249149.